The following is an entry in ClinVar:

NM_001267550.2(TTN):c.53047C>T (p.Gln17683Ter)

Genes: TTN-AS1 (TTN antisense RNA 1; plus strand), TTN (titin; minus strand), LOC126806425 (BRD4-independent group 4 enhancer GRCh37_chr2:179471933-179473132; plus strand). Cytogenetic location: 2q31.2.
Variant type: single nucleotide variant.
Coding change: c.53047C>T on transcript NM_001267550.2 (MANE Select); coding-DNA position 53047, C replaced by T.
Protein change: p.Gln17683Ter; replaces glutamine 17683 with a stop codon.
Molecular consequence: nonsense.
Genome position (GRCh38, 1-based): chr2:178,607,641, G>A on the plus strand (C>T on the coding strand, the complement: TTN is on the minus strand). VCF-style: chr2-178607641-G-A. GRCh37 (hg19) VCF-style: chr2-179472368-G-A.
Other names: c.48124C>T, p.Gln16042Ter (NM_001256850.1); c.25852C>T, p.Gln8618Ter (NM_003319.4); c.45343C>T, p.Gln15115Ter (NM_133378.4); c.26227C>T, p.Gln8743Ter (NM_133432.3); c.26428C>T, p.Gln8810Ter (NM_133437.4); short protein forms Q15115*, Q16042*, Q17683*, Q8618*, Q8743*, Q8810*.
Identifiers: ClinVar variation 1067790 (VCV001067790.9), dbSNP rs2154197059, ClinGen allele CA349568655.

ClinVar aggregate classification (germline): Likely pathogenic (1 of 4 stars; one submission).

Conditions:
Dilated cardiomyopathy 1G (CMD1G). Identifiers: Orphanet 154, MedGen C1858763, MONDO:0011400, OMIM 604145.
Autosomal recessive limb-girdle muscular dystrophy type 2J (LGMDR10). Also called: Limb-girdle muscular dystrophy, type 2J; MUSCULAR DYSTROPHY, LIMB-GIRDLE, AUTOSOMAL RECESSIVE 10. Identifiers: Orphanet 140922, MedGen C1837342, MONDO:0012127, OMIM 608807.

Submission:

Labcorp Genetics (formerly Invitae), Labcorp
Classification: Likely pathogenic for Dilated cardiomyopathy 1G; Autosomal recessive limb-girdle muscular dystrophy type 2J. Last evaluated: 2021-02-21. Review status: criteria provided, single submitter. Criteria: Invitae Variant Classification Sherloc (09022015). Collection method: clinical testing. Allele origin: germline.
Comment: In summary, the currently available evidence indicates that the variant is pathogenic, but additional data are needed to prove that conclusively. Therefore, this variant has been classified as Likely Pathogenic. This variant is located in the A band of TTN (PMID: 25589632). Truncating variants in this region are significantly overrepresented in patients affected with dilated cardiomyopathy (PMID: 25589632). Truncating variants in this region have also been reported in individuals affected with autosomal recessive centronuclear myopathy (PMID: 23975875). This variant has not been reported in the literature in individuals with TTN-related conditions. This variant is not present in population databases (ExAC no frequency). This sequence change creates a premature translational stop signal (p.Gln17683*) in the TTN gene. While this is not anticipated to result in nonsense mediated decay, it is expected to create a truncated TTN protein.

Literature cited by the submitters: PubMed 25589632; PubMed 23975875.